The following is an entry in ClinVar:

NM_015935.5(METTL13):c.1753A>C (p.Met585Leu)

Genes: METTL13 (methyltransferase 13, eEF1A N-terminus and K55; plus strand), LOC126805917 (P300/CBP strongly-dependent group 1 enhancer GRCh37_chr1:171762946-171764145; plus strand). Cytogenetic location: 1q24.3.
Variant type: single nucleotide variant.
Coding change: c.1753A>C on transcript NM_015935.5 (MANE Select); coding-DNA position 1753, A replaced by C.
Protein change: p.Met585Leu; replaces methionine 585 with leucine.
Molecular consequence: missense variant.
Genome position (GRCh38, 1-based): chr1:171,794,455, A>C. VCF-style: chr1-171794455-A-C. GRCh37 (hg19) VCF-style: chr1-171763595-A-C.
Other names: c.1285A>C, p.Met429Leu (NM_001007239.2); c.1495A>C, p.Met499Leu (NM_014955.3); short protein forms M429L, M499L, M585L.
Identifiers: ClinVar variation 3043115 (VCV003043115.2), dbSNP rs201545508, ClinGen allele CA1244967.

ClinVar aggregate classification (germline): Benign (0 of 4 stars; one submission).

Conditions:
METTL13-related disorder. Also called: METTL13-related condition.

Allele frequency attached by ClinVar (database versions not stated): ESP Exome Variant Server 0.00015; TOPMed 0.00022; gnomAD 0.00035; ExAC 0.00062; 1000 Genomes Project 30x 0.00172; 1000 Genomes Project 0.00180.
gnomAD v4.1: 245 of 1,614,228 alleles (0.015%); highest among the groups gnomAD compares: East Asian, 0.43%; 1 homozygote.

Submission:

PreventionGenetics, part of Exact Sciences
Classification: Benign for METTL13-related condition. Last evaluated: 2019-08-20. Review status: no assertion criteria provided. Collection method: clinical testing. Allele origin: germline.
Comment: This variant is classified as benign based on ACMG/AMP sequence variant interpretation guidelines (Richards et al. 2015 PMID: 25741868, with internal and published modifications).